The following is an entry in ClinVar:

NM_033026.6(PCLO):c.1658A>G (p.Gln553Arg)

Gene: PCLO (piccolo presynaptic cytomatrix protein; minus strand). Cytogenetic location: 7q21.11.
Variant type: single nucleotide variant.
Coding change: c.1658A>G on transcript NM_033026.6 (MANE Select); coding-DNA position 1658, A replaced by G.
Protein change: p.Gln553Arg; replaces glutamine 553 with arginine.
Molecular consequence: missense variant.
Genome position (GRCh38, 1-based): chr7:83,154,983, T>C on the plus strand (A>G on the coding strand, the complement: PCLO is on the minus strand). VCF-style: chr7-83154983-T-C. GRCh37 (hg19) VCF-style: chr7-82784299-T-C.
Other names: c.1658A>G, p.Gln553Arg (NM_014510.3); short protein forms Q553R.
Identifiers: ClinVar variation 2781407 (VCV002781407.3), dbSNP rs1792231609, ClinGen allele CA367913201.

ClinVar aggregate classification (germline): Uncertain significance (1 of 4 stars; one submission).

Allele frequency attached by ClinVar (database versions not stated): gnomAD exomes below 0.00001.
gnomAD v4.1: 2 of 1,614,030 alleles (0.00012%); highest among the groups gnomAD compares: Admixed American, 0.0017%; no homozygotes.

Submission:

Labcorp Genetics (formerly Invitae), Labcorp
Classification: Uncertain significance. Last evaluated: 2025-12-15. Review status: criteria provided, single submitter. Criteria: Invitae Variant Classification Sherloc (09022015). Collection method: clinical testing. Allele origin: germline.
Comment: This sequence change replaces glutamine, which is neutral and polar, with arginine, which is basic and polar, at codon 553 of the PCLO protein (p.Gln553Arg). This variant is not present in population databases (gnomAD no frequency). This variant has not been reported in the literature in individuals affected with PCLO-related conditions. ClinVar contains an entry for this variant (Variation ID: 2781407). An algorithm developed to predict the effect of missense changes on protein structure and function (PolyPhen-2) suggests that this variant is likely to be tolerated. In summary, the available evidence is currently insufficient to determine the role of this variant in disease. Therefore, it has been classified as a Variant of Uncertain Significance.